The following is an entry in ClinVar:

NM_018249.6(CDK5RAP2):c.558_559del (p.Glu186fs)

Gene: CDK5RAP2 (CDK5 regulatory subunit associated protein 2; minus strand). Cytogenetic location: 9q33.2.
Variant type: Microsatellite.
Coding change: c.558_559del on transcript NM_018249.6 (MANE Select); coding-DNA positions 558 to 559, 2 bases deleted (GA; older notation c.558_559delGA).
Protein change: p.Glu186fs; shifts the reading frame from glutamic acid 186.
Molecular consequence: frameshift variant. On other transcripts: non-coding transcript variant (5).
Genome position (GRCh38, 1-based): chr9:120,536,475-120,536,476, TC deleted on the plus strand (GA on the coding strand, the reverse complement: CDK5RAP2 is on the minus strand); deleting any 2 consecutive bases within chr9:120,536,475-120,536,479 gives the same sequence; the c. name uses the placement nearest the transcript's 3' end. VCF-style (leftmost placement, unchanged base first): chr9-120536474-GTC-G. GRCh37 (hg19) VCF-style: chr9-123298752-GTC-G.
Other names: c.558_559del, p.Glu186fs (NM_001011649.3, NM_001272039.2); c.555_556AG[1], p.Glu186Aspfs (NM_001410992.1, NM_001410993.1, NM_001410994.1); short protein forms E186fs.
Identifiers: ClinVar variation 1802606 (VCV001802606.4), dbSNP rs759709467, ClinGen allele CA5214676.

ClinVar aggregate classification (germline): Pathogenic. Review status: criteria provided, multiple submitters, no conflicts (2 of 4 stars). 2 submissions from 2 submitters: Pathogenic (2). Last evaluated 2023-05-16.

Conditions:
Microcephaly 3, primary, autosomal recessive. Identifiers: Orphanet 2512, MedGen C1858108, MONDO:0011488, OMIM 604804.

Submissions (2):

Labcorp Genetics (formerly Invitae), Labcorp
Classification: Pathogenic. Last evaluated: 2023-05-16. Review status: criteria provided, single submitter. Criteria: Invitae Variant Classification Sherloc (09022015). Collection method: clinical testing. Allele origin: germline.
Comment: For these reasons, this variant has been classified as Pathogenic. This premature translational stop signal has been observed in individual(s) with clinical features of CDK5RAP2-related conditions (PMID: 30842647). This variant is present in population databases (rs759709467, gnomAD 0.003%). This sequence change creates a premature translational stop signal (p.Glu186Aspfs*32) in the CDK5RAP2 gene. It is expected to result in an absent or disrupted protein product. Loss-of-function variants in CDK5RAP2 are known to be pathogenic (PMID: 15793586, 20460369, 26436113).

Laboratory of Medical Genetics, University of Torino
Classification: Pathogenic for Microcephaly 3, primary, autosomal recessive. Last evaluated: 2022-11-29. Review status: criteria provided, single submitter. Criteria: ACMG Guidelines, 2015. Collection method: research. Allele origin: germline. Affected: yes. Study: NeuroWES.

Literature cited by the submitters: PubMed 30842647 (cited by Labcorp Genetics (formerly Invitae), Labcorp); PubMed 15793586 (cited by Labcorp Genetics (formerly Invitae), Labcorp); PubMed 20460369 (cited by Labcorp Genetics (formerly Invitae), Labcorp); PubMed 26436113 (cited by Labcorp Genetics (formerly Invitae), Labcorp).